The following is an entry in ClinVar:

ClinVar aggregate classification (germline): Uncertain significance. Review status: criteria provided, multiple submitters, no conflicts (2 of 4 stars). 2 submissions from 2 submitters: Uncertain significance (2). Last evaluated 2025-10-02.

Conditions:
Developmental and epileptic encephalopathy, 2 (DEE2). Also called: INFANTILE SPASM SYNDROME, X-LINKED 2; CDKL5 deficiency disorder. Identifiers: Orphanet 1934, Orphanet 3451, Orphanet 505652, MedGen C4750718, MONDO:0010396, OMIM 300672.
Angelman syndrome-like. Identifiers: MedGen CN128785.

gnomAD v4.1: 2 of 1,211,932 alleles (0.00017%); highest among the groups gnomAD compares: Admixed American, 0.0043%; no homozygotes.

Submissions (2):

GeneDx
Classification: Uncertain significance. Last evaluated: 2025-10-02. Review status: criteria provided, single submitter. Criteria: GeneDx Variant Classification Process June 2021. Collection method: clinical testing. Allele origin: germline. Affected: yes.
Comment: In silico analysis suggests that this variant does not alter splicing; Has not been previously published as pathogenic or benign to our knowledge

Labcorp Genetics (formerly Invitae), Labcorp
Classification: Uncertain significance for Developmental and epileptic encephalopathy, 2; Angelman syndrome-like. Last evaluated: 2023-10-05. Review status: criteria provided, single submitter. Criteria: Invitae Variant Classification Sherloc (09022015). Collection method: clinical testing. Allele origin: germline.
Comment: This sequence change replaces serine, which is neutral and polar, with asparagine, which is neutral and polar, at codon 960 of the CDKL5 protein (p.Ser960Asn). This variant is present in population databases (rs752120798, gnomAD 0.008%). This variant has not been reported in the literature in individuals affected with CDKL5-related conditions. Advanced modeling of protein sequence and biophysical properties (such as structural, functional, and spatial information, amino acid conservation, physicochemical variation, residue mobility, and thermodynamic stability) performed at Invitae indicates that this missense variant is not expected to disrupt CDKL5 protein function. In summary, the available evidence is currently insufficient to determine the role of this variant in disease. Therefore, it has been classified as a Variant of Uncertain Significance.

NM_000330.4(RS1):c.185-3159C>T

Genes: CDKL5 (cyclin dependent kinase like 5; plus strand), RS1 (retinoschisin 1; minus strand). Cytogenetic location: Xp22.13.
Variant type: single nucleotide variant.
Coding change: c.185-3159C>T on transcript NM_000330.4 (MANE Select); 3159 bases into the intron before coding-DNA position 185, C replaced by T.
Molecular consequence: intron variant. On other transcripts: missense variant (2).
Genome position (GRCh38, 1-based): chrX:18,650,491, G>A on the plus strand (C>T on the coding strand, the complement: RS1 is on the minus strand). VCF-style: chrX-18650491-G-A. GRCh37 (hg19) VCF-style: chrX-18668611-G-A.
Other names: c.2879G>A, p.Ser960Asn (NM_001037343.2, NM_003159.3); short protein forms S960N.
Identifiers: ClinVar variation 2952556 (VCV002952556.4), dbSNP rs752120798, ClinGen allele CA10360741.